The following is an entry in ClinVar:

NM_058216.3(RAD51C):c.126dup (p.Pro43fs)

Gene: RAD51C (RAD51 paralog C; plus strand). Cytogenetic location: 17q22.
Variant type: Duplication.
Coding change: c.126dup on transcript NM_058216.3 (MANE Select); coding-DNA position 126, one base duplicated (A; older notation c.126dupA).
Protein change: p.Pro43fs; shifts the reading frame from proline 43.
Molecular consequence: frameshift variant. On other transcripts: non-coding transcript variant (1).
Genome position (GRCh38, 1-based): chr17:58,692,769, A duplicated; the last of 3 consecutive A bases (chr17:58,692,767-58,692,769); duplicating any one gives the same sequence. VCF-style (leftmost placement, unchanged base first): chr17-58692766-G-GA. GRCh37 (hg19) VCF-style: chr17-56770127-G-GA.
Other names: c.126dup, p.Pro43fs (NM_002876.4); c.126dup, p.Pro43Thrfs (NM_058217.1); c.126dupA (NM_058216.1); short protein forms P43fs.
Identifiers: ClinVar variation 1765027 (VCV001765027.2), dbSNP rs2509262385, ClinGen allele CA2580094338.
Genomic context (GRCh38, chr17:58,692,766, plus strand): 5'-AGCGGTGCGGGTGAAGCTGGTGTCTGCGGGGTTCCAGACTGCTGAGGAACTCCTAGAGGT[G>GA]AAACCCTCCGAGCTTAGCAAAGGTAACGACTCCTGATGGCAAGCTGAGGCACACCGGCCG-3'

ClinVar aggregate classification (germline): Likely pathogenic (1 of 4 stars; one submission).

Conditions:
Hereditary cancer-predisposing syndrome. Also called: Neoplastic Syndromes, Hereditary; Tumor predisposition; Hereditary Cancer Syndrome; Hereditary neoplastic syndrome. Identifiers: Orphanet 140162, MedGen C0027672, MeSH D009386, MONDO:0015356.

Submission:

Ambry Genetics
Classification: Likely pathogenic for Hereditary cancer-predisposing syndrome. Last evaluated: 2021-06-11. Review status: criteria provided, single submitter. Criteria: Ambry Variant Classification Scheme 2023. Collection method: clinical testing. Allele origin: germline.
Comment: The c.126dupA variant, located in coding exon 1 of the RAD51C gene, results from a duplication of A at nucleotide position 126, causing a translational frameshift with a predicted alternate stop codon (p.P43Tfs*5). The predicted stop codon occurs in the 5&rsquo; end of theRAD51C gene. Premature termination codons in the 5&rsquo; end of a gene have been reported to escape nonsense-mediated mRNAdecay and/or lead to re-initiation (Rivas et al. Science. 2015 May 8;348(6235):666-9; Lindeboom et al. Nat Genet. 2016 Oct;48(10):1112-8; Rhee et al. Sci Rep. 2017 May 10;7(1):1653). Direct evidence for this alteration is unavailable, however premature termination codons are typically deleterious in nature. Based on the majority of available evidence to date, this variant is likely to be pathogenic.